The following is an entry in ClinVar:

NM_020812.4(DOCK6):c.626G>A (p.Arg209Gln)

Gene: DOCK6 (dedicator of cytokinesis 6; minus strand). Cytogenetic location: 19p13.2.
Variant type: single nucleotide variant.
Coding change: c.626G>A on transcript NM_020812.4 (MANE Select); coding-DNA position 626, G replaced by A.
Protein change: p.Arg209Gln; replaces arginine 209 with glutamine.
Molecular consequence: missense variant.
Genome position (GRCh38, 1-based): chr19:11,250,968, C>T on the plus strand (G>A on the coding strand, the complement: DOCK6 is on the minus strand). VCF-style: chr19-11250968-C-T. GRCh37 (hg19) VCF-style: chr19-11361644-C-T.
Other names: c.626G>A, p.Arg209Gln (NM_001367830.1); short protein forms R209Q.
Identifiers: ClinVar variation 1941443 (VCV001941443.5), dbSNP rs770207164, ClinGen allele CA9208428.
Genomic context (GRCh38, chr19:11,250,968, plus strand): 5'-GGGGGCCGGTGCTGCCGTCGAAGGGTTTCATTGCGCCGGTCCACATCTTCTGGGGCCGCC[C>T]GCTCTAGCAGAGAGGGCAGCAATGAGTCAGCTGCCAGGTTCCTCAGGTCGAAGATGCTAG-3'
Protein context (NP_065863.2, residues 199-219): ADSLLPSLLE[Arg209Gln]AAPEDVDRRN

ClinVar aggregate classification (germline): Uncertain significance (1 of 4 stars; one submission).

Allele frequency attached by ClinVar (database versions not stated): gnomAD exomes 0.00002; ExAC 0.00005; TOPMed below 0.00001; gnomAD 0.00002.
gnomAD v4.1: 39 of 1,613,682 alleles (0.0024%); highest among the groups gnomAD compares: South Asian, 0.022%; no homozygotes.

Submission:

Labcorp Genetics (formerly Invitae), Labcorp
Classification: Uncertain significance. Last evaluated: 2022-08-31. Review status: criteria provided, single submitter. Criteria: Invitae Variant Classification Sherloc (09022015). Collection method: clinical testing. Allele origin: germline.
Comment: This sequence change replaces arginine, which is basic and polar, with glutamine, which is neutral and polar, at codon 209 of the DOCK6 protein (p.Arg209Gln). In summary, the available evidence is currently insufficient to determine the role of this variant in disease. Therefore, it has been classified as a Variant of Uncertain Significance. Algorithms developed to predict the effect of sequence changes on RNA splicing suggest that this variant may create or strengthen a splice site. Algorithms developed to predict the effect of missense changes on protein structure and function output the following: SIFT: "Tolerated"; PolyPhen-2: "Benign"; Align-GVGD: "Class C0". The glutamine amino acid residue is found in multiple mammalian species, which suggests that this missense change does not adversely affect protein function. This variant has not been reported in the literature in individuals affected with DOCK6-related conditions. This variant is present in population databases (rs770207164, gnomAD 0.01%).